The following is an entry in ClinVar:

ClinVar aggregate classification (germline): Conflicting classifications of pathogenicity. Review status: criteria provided, conflicting classifications (1 of 4 stars). 6 submissions from 6 submitters: Pathogenic (2); Likely pathogenic (2); Uncertain significance (2). Last evaluated 2025-12-31.

Conditions:
Congenital myotonia, autosomal recessive form. Also called: Becker Generalized Myotonia; BECKER DISEASE; myotonia congenita, autosomal recessive. Identifiers: Orphanet 614, MedGen C0751360, MONDO:0009715, OMIM 255700.
Congenital myotonia, autosomal dominant form (THD). Also called: THOMSEN DISEASE; Myotonia congenita autosomal dominant. Identifiers: Orphanet 614, MedGen C2936781, MONDO:0008055, OMIM 160800.

Allele frequency attached by ClinVar (database versions not stated): gnomAD 0.00001; gnomAD exomes below 0.00001; TOPMed below 0.00001.
gnomAD v4.1: 3 of 1,614,016 alleles (0.00019%); highest among the groups gnomAD compares: Non-Finnish European, 0.00025%; no homozygotes.

Submissions (6):

GeneDx
Classification: Pathogenic. Last evaluated: 2025-12-31. Review status: criteria provided, single submitter. Criteria: GeneDx Variant Classification Process June 2021. Collection method: clinical testing. Allele origin: germline.
Comment: Published functional studies of the effect of variants in CLCN1 on voltage dependence and current amplitude demonstrate that p.(A320V) results in reduced currents and suggest this variant may be associated with autosomal recessive disease (PMID: 34529042); Not observed at significant frequency in large population cohorts (gnomAD); In silico analysis supports that this missense variant has a deleterious effect on protein structure/function; In silico analysis supports a deleterious effect on splicing; This variant is associated with the following publications: (PMID: 34529042, 17932099, 23893571)

Labcorp Genetics (formerly Invitae), Labcorp
Classification: Pathogenic for Congenital myotonia, autosomal recessive form; Congenital myotonia, autosomal dominant form. Last evaluated: 2025-11-24. Review status: criteria provided, single submitter. Criteria: Invitae Variant Classification Sherloc (09022015). Collection method: clinical testing. Allele origin: germline.
Comment: This sequence change replaces alanine, which is neutral and non-polar, with valine, which is neutral and non-polar, at codon 320 of the CLCN1 protein (p.Ala320Val). This variant is not present in population databases (gnomAD no frequency). This missense change has been observed in individual(s) with autosomal recessive myotonia congenita (PMID: 17932099, 23893571). In at least one individual the data is consistent with being in trans (on the opposite chromosome) from a pathogenic variant. ClinVar contains an entry for this variant (Variation ID: 653796). Invitae Evidence Modeling of protein sequence and biophysical properties (such as structural, functional, and spatial information, amino acid conservation, physicochemical variation, residue mobility, and thermodynamic stability) indicates that this missense variant is expected to disrupt CLCN1 protein function with a positive predictive value of 95%. For these reasons, this variant has been classified as Pathogenic.

Women's Health and Genetics/Laboratory Corporation of America, LabCorp
Classification: Likely pathogenic for Congenital myotonia, autosomal recessive form. Last evaluated: 2024-11-20. Review status: criteria provided, single submitter. Criteria: LabCorp Variant Classification Summary - May 2015. Collection method: clinical testing. Allele origin: germline.
Comment: Variant summary: CLCN1 c.959C>T (p.Ala320Val) results in a non-conservative amino acid change located in the CLC chloride channel domain (IPR014743) of the encoded protein sequence. Five of five in-silico tools predict a damaging effect of the variant on protein function. The variant was absent in 251448 control chromosomes. c.959C>T has been reported in the literature in individuals affected with myotonia congenita (e.g, Fialho_2007, Richardson_2014). These data indicate that the variant may be associated with disease. At least one publication reports experimental evidence evaluating an impact on protein function (e.g, Suetterlin_2022). In this publication, Xenopus laevis oocyte expression system experiments demonstrated that homomeric mutant channels with this variant had higher half-activation voltage (V1/2) of -4.9mV when compared to wild-type (-18.6mV), indicating a deleterious effect on channel function. The following publications have been ascertained in the context of this evaluation (PMID: 17932099, 23893571, 34529042). ClinVar contains an entry for this variant (Variation ID: 653796). Based on the evidence outlined above, the variant was classified as likely pathogenic.

Revvity Omics, Revvity
Classification: Uncertain significance. Last evaluated: 2019-05-01. Review status: criteria provided, single submitter. Criteria: ACMG Guidelines, 2015. Collection method: clinical testing. Allele origin: germline.

Athena Diagnostics
Classification: Uncertain significance. Last evaluated: 2018-12-26. Review status: criteria provided, single submitter. Criteria: Athena Diagnostics Criteria. Collection method: clinical testing. Allele origin: germline.

Department Of Human Genetics, Institute Of Clinical And Translational Research, Biomedical Research Center, Slovak Academy Of Sciences
Classification: Likely pathogenic for Congenital myotonia, autosomal recessive form; Congenital myotonia, autosomal dominant form. Review status: criteria provided, single submitter. Criteria: ACMG Guidelines, 2015. Collection method: research. Allele origin: germline. Inheritance: Autosomal unknown. Affected: yes. Observed: 2 variant alleles.
Comment: The c.959C>T (p.(Ala320Val)) variant was found in 2 Slovak patients with myotonia congenita, one of them in the homozygous state. The c.959C>T variant is listed as a disease-causing in the HGMD database (CM076107) based on the publication PMID: 17932099. GnomAD Exomes Version: 4.0 indicates the frequency of f = 0.0000024.

Literature cited by the submitters: PubMed 17932099 (cited by 4 submitters); PubMed 23893571 (cited by 4 submitters); PubMed 34529042 (cited by Women's Health and Genetics/Laboratory Corporation of America, LabCorp).

NM_000083.3(CLCN1):c.959C>T (p.Ala320Val)

Gene: CLCN1 (chloride voltage-gated channel 1; plus strand). Cytogenetic location: 7q34.
Variant type: single nucleotide variant.
Coding change: c.959C>T on transcript NM_000083.3 (MANE Select); coding-DNA position 959, C replaced by T.
Protein change: p.Ala320Val; replaces alanine 320 with valine.
Molecular consequence: missense variant. On other transcripts: non-coding transcript variant (1).
Genome position (GRCh38, 1-based): chr7:143,330,877, C>T. VCF-style: chr7-143330877-C-T. GRCh37 (hg19) VCF-style: chr7-143027970-C-T.
Other names: short protein forms A320V.
Identifiers: ClinVar variation 653796 (VCV000653796.16), dbSNP rs1478129213, ClinGen allele CA369641709.